The following is an entry in ClinVar:

NM_177924.5(ASAH1):c.*729T>C

Gene: ASAH1 (N-acylsphingosine amidohydrolase 1; minus strand). Cytogenetic location: 8p22.
Variant type: single nucleotide variant.
Coding change: c.*729T>C on transcript NM_177924.5 (MANE Select); 729 bases downstream of the stop codon, T replaced by C.
Molecular consequence: 3 prime UTR variant.
Genome position (GRCh38, 1-based): chr8:18,056,805, A>G on the plus strand (T>C on the coding strand, the complement: ASAH1 is on the minus strand). VCF-style: chr8-18056805-A-G. GRCh37 (hg19) VCF-style: chr8-17914314-A-G.
Other names: c.*729T>C (NM_001127505.3, NM_001363743.2, NM_004315.6).
Identifiers: ClinVar variation 362356 (VCV000362356.6), dbSNP rs6770, ClinGen allele CA10630579.
Genomic context (GRCh38, chr8:18,056,805, plus strand): 5'-TTCCTATTTTCCACAAGTCTTTGACTTGTTTATTTACTAAATTAACAGAACGTGGGATGC[A>G]GTTTTTTAAGTTAGCAACTTCCTTAGGGTTACTGGGAAGTAGAGTAATTATGAAAAAGGG-3'

ClinVar aggregate classification (germline): Benign. Review status: criteria provided, multiple submitters, no conflicts (2 of 4 stars). 2 submissions from 2 submitters: Benign (2). Last evaluated 2018-01-13.

Conditions:
Farber lipogranulomatosis (FRBRL). Also called: Farber's lipogranulomatosis; Farber's disease; Farber disease; AC DEFICIENCY; ACID CERAMIDASE DEFICIENCY; CERAMIDASE DEFICIENCY. Identifiers: Orphanet 333, MedGen C0268255, MONDO:0009218, OMIM 228000.

Allele frequency attached by ClinVar (database versions not stated): gnomAD 0.17217 and 0.17564; TOPMed 0.18959; 1000 Genomes Project 0.27995; 1000 Genomes Project 30x 0.28139.

Submissions (2):

Illumina Laboratory Services, Illumina
Classification: Benign for Farber lipogranulomatosis. Last evaluated: 2018-01-13. Review status: criteria provided, single submitter. Criteria: ICSL Variant Classification Criteria 13 December 2019. Collection method: clinical testing. Allele origin: germline.
Comment: This variant was observed in the ICSL laboratory as part of a predisposition screen in an ostensibly healthy population. It had not been previously curated by ICSL or reported in the Human Gene Mutation Database (HGMD: prior to June 1st, 2018), and was therefore a candidate for classification through an automated scoring system. Utilizing variant allele frequency, disease prevalence and penetrance estimates, and inheritance mode, an automated score was calculated to assess if this variant is too frequent to cause the disease. Based on the score and internal cut-off values, a variant classified as benign is not then subjected to further curation. The score for this variant resulted in a classification of benign for this disease.

Breakthrough Genomics
Classification: Benign. Review status: criteria provided, single submitter. Criteria: ACMG Guidelines, 2015. Collection method: not provided. Allele origin: germline. Inheritance: Autosomal recessive inheritance. Affected: yes.